The following is an entry in ClinVar:

NM_014314.4(RIGI):c.728C>G (p.Pro243Arg)

Gene: RIGI (RNA sensor RIG-I; minus strand). Cytogenetic location: 9p21.1.
Variant type: single nucleotide variant.
Coding change: c.728C>G on transcript NM_014314.4 (MANE Select); coding-DNA position 728, C replaced by G.
Protein change: p.Pro243Arg; replaces proline 243 with arginine.
Molecular consequence: missense variant.
Genome position (GRCh38, 1-based): chr9:32,489,415, G>C on the plus strand (C>G on the coding strand, the complement: RIGI is on the minus strand). VCF-style: chr9-32489415-G-C. GRCh37 (hg19) VCF-style: chr9-32489413-G-C.
Other names: c.728C>G, p.Pro243Arg (NM_001385907.1, NM_001385909.1); c.287C>G, p.Pro96Arg (NM_001385910.1); c.119C>G, p.Pro40Arg (NM_001385912.1); c.713C>G, p.Pro238Arg (NM_001385913.1); c.284C>G, p.Pro95Arg (NM_001385914.1); short protein forms P243R, P238R, P96R, P40R, P95R.
Identifiers: ClinVar variation 2076284 (VCV002076284.4), dbSNP rs778728554, ClinGen allele CA5020000.
Genomic context (GRCh38, chr9:32,489,415, plus strand): 5'-CATATTATTGTGTTTTTTCCTTTCATAGCAGGCAAAGCAAGCTCTAATTGGTAATTTCTT[G>C]GTTTAAATGGGCTGTACAAGTTTGTATCAGACACTTCTGGAATACAAAAGGAGCAAAATT-3'
Protein context (NP_055129.2, residues 233-253): SDTNLYSPFK[Pro243Arg]RNYQLELALP

ClinVar aggregate classification (germline): Uncertain significance (1 of 4 stars; one submission).

Allele frequency attached by ClinVar (database versions not stated): ExAC 0.00001; gnomAD 0.00002; gnomAD exomes 0.00002.
gnomAD v4.1: 29 of 1,613,022 alleles (0.0018%); highest among the groups gnomAD compares: Middle Eastern, 0.016%; no homozygotes.

Submission:

Labcorp Genetics (formerly Invitae), Labcorp
Classification: Uncertain significance. Last evaluated: 2025-10-07. Review status: criteria provided, single submitter. Criteria: Invitae Variant Classification Sherloc (09022015). Collection method: clinical testing. Allele origin: germline.
Comment: This sequence change replaces proline, which is neutral and non-polar, with arginine, which is basic and polar, at codon 243 of the DDX58 protein (p.Pro243Arg). This variant is present in population databases (rs778728554, gnomAD 0.009%). This variant has not been reported in the literature in individuals affected with DDX58-related conditions. ClinVar contains an entry for this variant (Variation ID: 2076284). Invitae Evidence Modeling of protein sequence and biophysical properties (such as structural, functional, and spatial information, amino acid conservation, physicochemical variation, residue mobility, and thermodynamic stability) indicates that this missense variant is expected to disrupt DDX58 protein function with a positive predictive value of 80%. In summary, the available evidence is currently insufficient to determine the role of this variant in disease. Therefore, it has been classified as a Variant of Uncertain Significance.